The following is an entry in ClinVar:

ClinVar aggregate classification (germline): Benign (1 of 4 stars; one submission).

Submission:

CeGaT Center for Human Genetics Tuebingen
Classification: Benign. Last evaluated: 2026-06-01. Review status: criteria provided, single submitter. Criteria: CeGaT Center For Human Genetics Tuebingen Variant Classification Criteria Version 2. Collection method: clinical testing. Allele origin: germline. Affected: yes. Observed: 1 variant allele.
Comment: ISL1: BS1, BS2

NC_000005.10:g.51383432G>A

Gene: ISL1 (ISL LIM homeobox 1; plus strand). Cytogenetic location: 5q11.1.
Variant type: single nucleotide variant.
Genome position: GRCh38 VCF-style: chr5-51383432-G-A. GRCh37 (hg19) VCF-style: chr5-50679266-G-A.
Identifiers: ClinVar variation 4872004 (VCV004872004.2).